The following is an entry in ClinVar:

NM_003640.5(ELP1):c.3325G>A (p.Val1109Ile)

Gene: ELP1 (elongator acetyltransferase complex subunit 1; minus strand). Cytogenetic location: 9q31.3.
Variant type: single nucleotide variant.
Coding change: c.3325G>A on transcript NM_003640.5 (MANE Select); coding-DNA position 3325, G replaced by A.
Protein change: p.Val1109Ile; replaces valine 1109 with isoleucine.
Molecular consequence: missense variant.
Genome position (GRCh38, 1-based): chr9:108,881,726, C>T on the plus strand (G>A on the coding strand, the complement: ELP1 is on the minus strand). VCF-style: chr9-108881726-C-T. GRCh37 (hg19) VCF-style: chr9-111644006-C-T.
Other names: c.3325G>A (LRG_251t1); c.2983G>A, p.Val995Ile (NM_001318360.2); c.2278G>A, p.Val760Ile (NM_001330749.2); short protein forms V1109I, V995I, V760I.
Identifiers: ClinVar variation 579518 (VCV000579518.10), dbSNP rs761896714, ClinGen allele CA5174343.

ClinVar aggregate classification (germline): Conflicting classifications of pathogenicity. Review status: criteria provided, conflicting classifications (1 of 4 stars). 4 submissions from 4 submitters: Uncertain significance (2); Likely benign (1). 1 of the submissions does not count toward it. Last evaluated 2025-04-03.

Conditions:
Medulloblastoma (MDB). Also called: MEDULLOBLASTOMA PREDISPOSITION SYNDROME; Medulloblastoma, somatic. Identifiers: Orphanet 616, MedGen C0025149, MeSH D008527, MONDO:0007959, OMIM 155255, HP:0002885.
Familial dysautonomia. Also called: HSAN III; FD. Identifiers: Orphanet 1764, MedGen C0013364, MONDO:0009131, OMIM 223900. Disease mechanism: loss of function.

Allele frequency attached by ClinVar (database versions not stated): gnomAD exomes below 0.00001 and 0.00001; gnomAD 0.00001 and 0.00002; ExAC 0.00002; TOPMed 0.00002.
gnomAD v4.1: 9 of 1,581,530 alleles (0.00057%); highest among the groups gnomAD compares: East Asian, 0.0067%; no homozygotes.

Submissions (4):

Ambry Genetics
Classification: Likely benign. Last evaluated: 2025-04-03. Review status: criteria provided, single submitter. Criteria: Ambry Variant Classification Scheme 2023. Collection method: clinical testing. Allele origin: germline.

Labcorp Genetics (formerly Invitae), Labcorp
Classification: Uncertain significance. Last evaluated: 2024-05-06. Review status: criteria provided, single submitter. Criteria: Invitae Variant Classification Sherloc (09022015). Collection method: clinical testing. Allele origin: germline.
Comment: This sequence change replaces valine, which is neutral and non-polar, with isoleucine, which is neutral and non-polar, at codon 1109 of the ELP1 protein (p.Val1109Ile). This variant is present in population databases (rs761896714, gnomAD 0.006%). This variant has not been reported in the literature in individuals affected with ELP1-related conditions. ClinVar contains an entry for this variant (Variation ID: 579518). Advanced modeling of protein sequence and biophysical properties (such as structural, functional, and spatial information, amino acid conservation, physicochemical variation, residue mobility, and thermodynamic stability) performed at Invitae indicates that this missense variant is not expected to disrupt ELP1 protein function with a negative predictive value of 80%. In summary, the available evidence is currently insufficient to determine the role of this variant in disease. Therefore, it has been classified as a Variant of Uncertain Significance.

Fulgent Genetics
Classification: Uncertain significance for Medulloblastoma; Familial dysautonomia. Last evaluated: 2024-01-25. Review status: criteria provided, single submitter. Criteria: ACMG Guidelines, 2015. Collection method: clinical testing. Allele origin: germline.

Natera, Inc.
Classification: Uncertain significance for Familial dysautonomia. Last evaluated: 2020-08-28. Review status: no assertion criteria provided. Collection method: clinical testing. Allele origin: germline. Not counted in ClinVar's aggregate classification.